The following is an entry in ClinVar:

ClinVar aggregate classification (germline): Conflicting classifications of pathogenicity. Review status: criteria provided, conflicting classifications (1 of 4 stars). 5 submissions from 5 submitters: Uncertain significance (4); Likely benign (1). Last evaluated 2026-01-28.

Conditions:
Cerebellar ataxia, impaired intellectual development, and dysequilibrium syndrome 1. Also called: VLDLR Cerebellar Hypoplasia; Cerebellar hypoplasia and mental retardation with or without quadrupedal locomotion 1; Cerebellar ataxia, intellectual disability, and dysequilibrium syndrome 1; Cerebellar ataxia, mental retardation, and dysequilibrium syndrome 1; CEREBELLAR ATAXIA AND MENTAL RETARDATION WITH OR WITHOUT QUADRUPEDAL LOCOMOTION 1; CEREBELLAR ATAXIA, CONGENITAL, AND MENTAL RETARDATION, AUTOSOMAL RECESSIVE. Identifiers: Orphanet 1766, MedGen C4551552, MONDO:0024542, OMIM 224050.

Allele frequency attached by ClinVar (database versions not stated): ExAC 0.00020; gnomAD exomes 0.00027 and 0.00044; TOPMed 0.00029; gnomAD 0.00034 and 0.00036; ESP Exome Variant Server 0.00054.

Submissions (9):

Labcorp Genetics (formerly Invitae), Labcorp
Classification: Likely benign. Last evaluated: 2026-01-28. Review status: criteria provided, single submitter. Criteria: Invitae Variant Classification Sherloc (09022015). Collection method: clinical testing. Allele origin: germline.

CeGaT Center for Human Genetics Tuebingen
Classification: Uncertain significance. Last evaluated: 2024-07-01. Review status: criteria provided, single submitter. Criteria: CeGaT Center For Human Genetics Tuebingen Variant Classification Criteria Version 2. Collection method: clinical testing. Allele origin: germline. Affected: yes. Observed: 1 variant allele.
Comment: VLDLR: PM2:Supporting, BP4

GeneDx
Classification: Uncertain significance. Last evaluated: 2021-10-06. Review status: criteria provided, single submitter. Criteria: GeneDx Variant Classification Process June 2021. Collection method: clinical testing. Allele origin: germline. Affected: yes.
Comment: In silico analysis supports a deleterious effect on splicing; Has not been previously published as pathogenic or benign to our knowledge

Illumina Laboratory Services, Illumina
Classification: Uncertain significance for Cerebellar ataxia, impaired intellectual development, and dysequilibrium syndrome 1. Last evaluated: 2018-01-13. Review status: criteria provided, single submitter. Criteria: ICSL Variant Classification Criteria 13 December 2019. Collection method: clinical testing. Allele origin: germline.

Genetic Services Laboratory, University of Chicago
Classification: Uncertain significance. Last evaluated: 2015-04-28. Review status: criteria provided, single submitter. Criteria: ACMG Guidelines, 2015. Collection method: clinical testing. Allele origin: germline.

Dr. Peter K. Rogan Lab, Western University
No classification provided (evidence only). Condition: Malignant tumor of urinary bladder. Review status: no classification provided. Collection method: in vitro. Allele origin: not applicable. Functional consequence: retained intron. Not counted in ClinVar's aggregate classification.

Dr. Peter K. Rogan Lab, Western University
No classification provided (evidence only). Condition: Melanoma. Review status: no classification provided. Collection method: in vitro. Allele origin: not applicable. Functional consequence: retained intron. Not counted in ClinVar's aggregate classification.

Dr. Peter K. Rogan Lab, Western University
No classification provided (evidence only). Condition: Ovarian serous cystadenocarcinoma. Review status: no classification provided. Collection method: in vitro. Allele origin: not applicable. Functional consequence: retained intron. Not counted in ClinVar's aggregate classification.

Dr. Peter K. Rogan Lab, Western University
No classification provided (evidence only). Condition: Uveal melanoma. Review status: no classification provided. Collection method: in vitro. Allele origin: not applicable. Functional consequence: retained intron. Not counted in ClinVar's aggregate classification.

NM_003383.5(VLDLR):c.792C>T (p.Cys264=)

Gene: VLDLR (very low density lipoprotein receptor; plus strand). Cytogenetic location: 9p24.2.
Variant type: single nucleotide variant.
Coding change: c.792C>T on transcript NM_003383.5 (MANE Select); coding-DNA position 792, C replaced by T.
Protein change: p.Cys264=; no amino-acid change (cysteine 264 retained).
Molecular consequence: synonymous variant.
Genome position (GRCh38, 1-based): chr9:2,643,503, C>T. VCF-style: chr9-2643503-C-T. GRCh37 (hg19) VCF-style: chr9-2643503-C-T.
Other names: c.792C>T, p.Cys264= (NM_001018056.3); c.669C>T, p.Cys223= (NM_001322225.2, NM_001322226.2).
Identifiers: ClinVar variation 212564 (VCV000212564.39), dbSNP rs141850403, ClinGen allele CA209221.